The following is an entry in ClinVar:

ClinVar aggregate classification (germline): Uncertain significance (1 of 4 stars; one submission).

Submission:

GeneDx
Classification: Uncertain significance. Last evaluated: 2024-08-26. Review status: criteria provided, single submitter. Criteria: GeneDx Variant Classification Process June 2021. Collection method: clinical testing. Allele origin: germline. Affected: yes.
Comment: Not observed at significant frequency in large population cohorts (gnomAD); Missense variant in a gene in which most reported pathogenic variants are truncating/loss of function; Has not been previously published as pathogenic or benign to our knowledge

NM_001267550.2(TTN):c.69029C>A (p.Ala23010Asp)

Genes: TTN (titin; minus strand), TTN-AS1 (TTN antisense RNA 1; plus strand). Cytogenetic location: 2q31.2.
Variant type: single nucleotide variant.
Coding change: c.69029C>A on transcript NM_001267550.2 (MANE Select); coding-DNA position 69029, C replaced by A.
Protein change: p.Ala23010Asp; replaces alanine 23010 with aspartic acid.
Molecular consequence: missense variant.
Genome position (GRCh38, 1-based): chr2:178,577,306, G>T on the plus strand (C>A on the coding strand, the complement: TTN is on the minus strand). VCF-style: chr2-178577306-G-T. GRCh37 (hg19) VCF-style: chr2-179442033-G-T.
Other names: c.64106C>A, p.Ala21369Asp (NM_001256850.1); c.41834C>A, p.Ala13945Asp (NM_003319.4); c.61325C>A, p.Ala20442Asp (NM_133378.4); c.42209C>A, p.Ala14070Asp (NM_133432.3); c.42410C>A, p.Ala14137Asp (NM_133437.4); c.69029C>A (NM_001267550.1); short protein forms A14137D, A21369D, A13945D, A14070D, A20442D, A23010D.
Identifiers: ClinVar variation 3766246 (VCV003766246.1), dbSNP rs1575830557.